The following is an entry in ClinVar:

ClinVar aggregate classification (germline): Uncertain significance. Review status: criteria provided, multiple submitters, no conflicts (2 of 4 stars). 2 submissions from 2 submitters: Uncertain significance (2). Last evaluated 2026-04-29.

Conditions:
Cardiovascular phenotype. Identifiers: MedGen CN230736.
Hereditary cancer-predisposing syndrome. Also called: Tumor predisposition; Hereditary Cancer Syndrome; Neoplastic Syndromes, Hereditary; Hereditary neoplastic syndrome. Identifiers: Orphanet 140162, MedGen C0027672, MeSH D009386, MONDO:0015356.

gnomAD v4.1: 1 of 1,613,754 alleles (0.000062%); highest among the groups gnomAD compares: Non-Finnish European, 0.000085%; no homozygotes.

Submissions (2):

Ambry Genetics
Classification: Uncertain significance for Cardiovascular phenotype; Hereditary cancer-predisposing syndrome. Last evaluated: 2026-04-29. Review status: criteria provided, single submitter. Criteria: Ambry Variant Classification Scheme 2023. Collection method: clinical testing. Allele origin: germline.
Comment: The c.6727A>G variant (also known as p.I2243V), located in coding exon 44 of the NF1 gene, results from an A to G substitution at nucleotide position 6727. The isoleucine at codon 2243 is replaced by valine, an amino acid with highly similar properties. This nucleotide position is highly conserved in available vertebrate species. In silico splice site analysis predicts that this alteration will weaken the native splice donor site and will result in the creation or strengthening of a novel splice donor site. RNA studies have demonstrated that this alteration results in a transcript predicted to lead to a protein with an in-frame deletion of 10 amino acids; however, the exact functional impact of the deleted amino acids is unknown at this time (Ambry internal data). Based on the available evidence, the clinical significance of this variant remains unclear.

GeneDx
Classification: Uncertain significance. Last evaluated: 2017-08-21. Review status: criteria provided, single submitter. Criteria: GeneDx Variant Classification (06012015). Collection method: clinical testing. Allele origin: germline. Affected: yes.
Comment: This variant is denoted NF1 c.6727A>G at the cDNA level, p.Ile2243Val (I2243V) at the protein level, and results in the change of an Isoleucine to a Valine (ATA>GTA). This variant has not, to our knowledge, been published in the literature as pathogenic or benign. NF1 Ile2243Val was not observed in large population cohorts (NHLBI Exome Sequencing Project, The 1000 Genomes Consortium 2015, Lek 2016). Since Isoleucine and Valine share similar properties, this is considered a conservative amino acid substitution. NF1 Ile2243Val occurs at a position that is conserved across species and is not located in a known functional domain. In silico analyses are inconsistent regarding the effect this variant may have on protein structure and function. Based on currently available evidence, it is unclear whether NF1 Ile2243Val is a pathogenic or benign variant. We consider it to be a variant of uncertain significance.

NM_001042492.3(NF1):c.6790A>G (p.Ile2264Val)

Gene: NF1 (neurofibromin 1; plus strand). Cytogenetic location: 17q11.2.
Variant type: single nucleotide variant.
Coding change: c.6790A>G on transcript NM_001042492.3 (MANE Select); coding-DNA position 6790, A replaced by G.
Protein change: p.Ile2264Val; replaces isoleucine 2264 with valine.
Molecular consequence: missense variant.
Genome position (GRCh38, 1-based): chr17:31,338,110, A>G. VCF-style: chr17-31338110-A-G. GRCh37 (hg19) VCF-style: chr17-29665128-A-G.
Other names: c.6727A>G, p.Ile2243Val (NM_000267.4); short protein forms I2243V, I2264V.
Identifiers: ClinVar variation 561686 (VCV000561686.5), dbSNP rs761213794, ClinGen allele CA399014161.
Genomic context (GRCh38, chr17:31,338,110, plus strand): 5'-CTGCAACCAAGAGCTCTTGTTGTCTTTGGGTGTATTAGCAAACGAGTGTCTCATGGGCAG[A>G]TAAAGCAGATAATCCGTATTCTTAGCAAGGTACCTGTTCCGCCCTCACTTCTCCCAAATA-3'
Protein context (NP_001035957.1, residues 2254-2274): CISKRVSHGQ[Ile2264Val]KQIIRILSKA